The following is an entry in ClinVar:

ClinVar aggregate classification (germline): Uncertain significance (1 of 4 stars; one submission).

Conditions:
Hereditary cancer-predisposing syndrome. Also called: Tumor predisposition; Hereditary Cancer Syndrome; Hereditary neoplastic syndrome; Neoplastic Syndromes, Hereditary. Identifiers: Orphanet 140162, MedGen C0027672, MeSH D009386, MONDO:0015356.

Submission:

Ambry Genetics
Classification: Uncertain significance for Hereditary cancer-predisposing syndrome. Last evaluated: 2024-05-31. Review status: criteria provided, single submitter. Criteria: Ambry Variant Classification Scheme 2023. Collection method: clinical testing. Allele origin: germline.
Comment: The p.I383T variant (also known as c.1148T>C), located in coding exon 7 of the DICER1 gene, results from a T to C substitution at nucleotide position 1148. The isoleucine at codon 383 is replaced by threonine, an amino acid with similar properties. This amino acid position is conserved. In addition, this alteration is predicted to be deleterious by in silico analysis. Based on the available evidence, the clinical significance of this variant remains unclear.

NM_177438.3(DICER1):c.1148T>C (p.Ile383Thr)

Gene: DICER1 (dicer 1, ribonuclease III; minus strand). Cytogenetic location: 14q32.13.
Variant type: single nucleotide variant.
Coding change: c.1148T>C on transcript NM_177438.3 (MANE Select); coding-DNA position 1148, T replaced by C.
Protein change: p.Ile383Thr; replaces isoleucine 383 with threonine.
Molecular consequence: missense variant. On other transcripts: 5 prime UTR variant (1), non-coding transcript variant (6).
Genome position (GRCh38, 1-based): chr14:95,124,424, A>G on the plus strand (T>C on the coding strand, the complement: DICER1 is on the minus strand). VCF-style: chr14-95124424-A-G. GRCh37 (hg19) VCF-style: chr14-95590761-A-G.
Other names: c.1148T>C, p.Ile383Thr (NM_001195573.1, NM_001271282.3, NM_001291628.2 and 14 more transcripts); c.866T>C, p.Ile289Thr (NM_001395686.1); c.743T>C, p.Ile248Thr (NM_001395687.1, NM_001395688.1, NM_001395689.1 and 3 more transcripts); c.581T>C, p.Ile194Thr (NM_001395691.1); c.-421T>C (NM_001395697.1); short protein forms I248T, I383T, I194T, I289T.
Identifiers: ClinVar variation 3272040 (VCV003272040.1).